The following is an entry in ClinVar:

NM_000540.3(RYR1):c.11132C>G (p.Thr3711Arg)

Gene: RYR1 (ryanodine receptor 1; plus strand). Cytogenetic location: 19q13.2.
Variant type: single nucleotide variant.
Coding change: c.11132C>G on transcript NM_000540.3 (MANE Select); coding-DNA position 11132, C replaced by G.
Protein change: p.Thr3711Arg; replaces threonine 3711 with arginine.
Molecular consequence: missense variant.
Genome position (GRCh38, 1-based): chr19:38,529,048, C>G. VCF-style: chr19-38529048-C-G. GRCh37 (hg19) VCF-style: chr19-39019688-C-G.
Other names: c.11117C>G, p.Thr3706Arg (NM_001042723.2); short protein forms T3711R, T3706R.
Identifiers: ClinVar variation 590375 (VCV000590375.7), dbSNP rs375915752, ClinGen allele CA055881.
Genomic context (GRCh38, chr19:38,529,048, plus strand): 5'-AAGAGAAGAAGCCAGACCCCCTGCACCAGTTGGTCCTGCACTTCAGCCGCACTGCCCTGA[C>G]GGAAAAGAGGTGAAGACTCTTGCCAGGGCCCCAGAAATGCCCCCAAGGTCCTGGGGCCAC-3'
Protein context (NP_000531.2, residues 3701-3721): LVLHFSRTAL[Thr3711Arg]EKSKLDEDYL

ClinVar aggregate classification (germline): Conflicting classifications of pathogenicity. Review status: criteria provided, conflicting classifications (1 of 4 stars). 5 submissions from 5 submitters: Likely pathogenic (1); Uncertain significance (4). Last evaluated 2025-08-26.

Conditions:
RYR1-related disorder. Also called: RYR1-related disorders; RYR1-related condition. Identifiers: MedGen CN239331.
Malignant hyperthermia, susceptibility to, 1 (MHS1). Also called: Anesthesia related hyperthermia; Malignant hyperpyrexia; Fulminating hyperpyrexia; Pharmacogenic myopathy; RYR1-Related Malignant Hyperthermia Susceptibility; Malignant hyperthermia suceptibility 1. Identifiers: Orphanet 423, MedGen C2930980, MONDO:0007783, OMIM 145600.

gnomAD v4.1: 4 of 1,613,766 alleles (0.00025%); highest among the groups gnomAD compares: Non-Finnish European, 0.00017%; no homozygotes.

Submissions (5):

Color Diagnostics, LLC DBA Color Health
Classification: Uncertain significance for Malignant hyperthermia, susceptibility to, 1. Last evaluated: 2025-08-26. Review status: criteria provided, single submitter. Criteria: ACMG Guidelines, 2015. Collection method: clinical testing. Allele origin: germline.
Comment: This missense variant replaces threonine with arginine at codon 3711 of the RYR1 protein. Computational prediction suggests that this variant may have deleterious impact on protein structure and function. To our knowledge, functional studies have not been reported for this variant. This variant has been reported in an individual affected with malignant hyperthermia susceptibility and a family affected with malignant hyperthermia susceptibility with a history of malignant hyperthermia episodes (PMID: 23558838, 28063098, 30916033, 31559918). One of the individuals affected with a malignant hyperthermia episode also carried a known pathogenic variant in the RYR1 gene that could explain the observed phenotype (PMID: 23558838, 28063098, 31559918). This variant has been identified in 1/248650 chromosomes in the general population by the Genome Aggregation Database (gnomAD). The available evidence is insufficient to determine the role of this variant in disease conclusively. Therefore, this variant is classified as a Variant of Uncertain Significance.

ARUP Laboratories, Molecular Genetics and Genomics, ARUP Laboratories
Classification: Uncertain significance. Last evaluated: 2025-06-11. Review status: criteria provided, single submitter. Criteria: ARUP Molecular Germline Variant Investigation Process 2024. Collection method: clinical testing. Allele origin: germline.
Comment: The RYR1 c.11132C>G; p.Thr3711Arg variant (rs375915752, ClinVar Variation ID: 590375) is reported in the literature in several individuals with a personal or family history of malignant hyperthermia susceptibility (MHS), although one individual carried a second variant that likely explained their phenotype (Brandom 2013, Sadhasivam 2019). The c.11132C>G variant is only observed on one allele in the Genome Aggregation Database (v2.1.1), indicating it is not a common polymorphism. Computational analyses predict that this variant is deleterious (REVEL: 0.834). Additionally, another variant at this codon (c.11132C>T; p.Thr3711Met) has been reported in individuals with MHS, although its clinical significance remains unclear (Chang 2019, Miller 2018). Due to limited information, the clinical significance of the c.11132C>G; p.Thr3711Arg variant is uncertain at this time. References: Brandom BW et al. Ryanodine receptor type 1 gene variants in the malignant hyperthermia-susceptible population of the United States. Anesth Analg. 2013 May;116(5):1078-1086. PMID: 23558838. Chang L et al. Permeabilised skeletal muscle reveals mitochondrial deficiency in malignant hyperthermia-susceptible individuals. Br J Anaesth. 2019 May;122(5):613-621. PMID: 30916033. Miller DM et al. Genetic epidemiology of malignant hyperthermia in the UK. Br J Anaesth. 2018 Oct;121(4):944-952. PMID: 30236257. Sadhasivam S et al. Bayesian modeling to predict malignant hyperthermia susceptibility and pathogenicity of RYR1, CACNA1S and STAC3 variants. Pharmacogenomics. 2019 Sep;20(14):989-1003. PMID: 31559918.

Labcorp Genetics (formerly Invitae), Labcorp
Classification: Likely pathogenic for RYR1-related disorder. Last evaluated: 2024-12-21. Review status: criteria provided, single submitter. Criteria: Invitae Variant Classification Sherloc (09022015). Collection method: clinical testing. Allele origin: germline.
Comment: This sequence change replaces threonine, which is neutral and polar, with arginine, which is basic and polar, at codon 3711 of the RYR1 protein (p.Thr3711Arg). This variant is present in population databases (rs375915752, gnomAD 0.01%). This missense change has been observed in individual(s) with autosomal dominant malignant hyperthermia and/or myopathy (PMID: 23558838, 32236737). ClinVar contains an entry for this variant (Variation ID: 590375). Invitae Evidence Modeling of protein sequence and biophysical properties (such as structural, functional, and spatial information, amino acid conservation, physicochemical variation, residue mobility, and thermodynamic stability) has been performed for this missense variant. However, the output from this modeling did not meet the statistical confidence thresholds required to predict the impact of this variant on RYR1 protein function. This variant disrupts the p.Thr3711 amino acid residue in RYR1. Other variant(s) that disrupt this residue have been determined to be pathogenic (PMID: 30236257, 32054689). This suggests that this residue is clinically significant, and that variants that disrupt this residue are likely to be disease-causing. In summary, the currently available evidence indicates that the variant is pathogenic, but additional data are needed to prove that conclusively. Therefore, this variant has been classified as Likely Pathogenic.

All of Us Research Program, National Institutes of Health
Classification: Uncertain significance for Malignant hyperthermia, susceptibility to, 1. Last evaluated: 2023-05-30. Review status: criteria provided, single submitter. Criteria: ACMG Guidelines, 2015. Collection method: clinical testing. Allele origin: germline. Inheritance: Autosomal dominant inheritance. Observed: 2 variant alleles, 2 heterozygotes.
Comment: This missense variant replaces threonine with arginine at codon 3711 of the RYR1 protein. Computational prediction suggests that this variant may have deleterious impact on protein structure and function (internally defined REVEL score threshold >= 0.7, PMID: 27666373). To our knowledge, functional studies have not been reported for this variant. This variant has been reported in an individual affected with malignant hyperthermia susceptibility and a family affected with malignant hyperthermia susceptibility with a history of malignant hyperthermia episodes (PMID: 23558838, 28063098, 30916033, 31559918). One of the individuals affected with a malignant hyperthermia episode also carried a known pathogenic variant in the RYR1 gene that could explain the observed phenotype (PMID: 23558838, 28063098, 31559918). This variant has been identified in 1/248650 chromosomes in the general population by the Genome Aggregation Database (gnomAD). The available evidence is insufficient to determine the role of this variant in disease conclusively. Therefore, this variant is classified as a Variant of Uncertain Significance.

This study involves interpretation of variants in research participants for the purpose of population health screening. Participant phenotype was not available at the time of variant classification. Additional details can be found in publication PMID: 35346344, PMCID: PMC8962531

PreventionGenetics, part of Exact Sciences
Classification: Uncertain significance. Last evaluated: 2017-10-20. Review status: criteria provided, single submitter. Criteria: ACMG Guidelines, 2015. Collection method: clinical testing. Allele origin: germline.

Literature cited by the submitters: PubMed 23558838 (cited by 3 submitters); PubMed 28063098 (cited by Color Diagnostics, LLC DBA Color Health and All of Us Research Program, National Institutes of Health); PubMed 30916033 (cited by Color Diagnostics, LLC DBA Color Health and All of Us Research Program, National Institutes of Health); PubMed 31559918 (cited by Color Diagnostics, LLC DBA Color Health and All of Us Research Program, National Institutes of Health); PubMed 32236737 (cited by Labcorp Genetics (formerly Invitae), Labcorp); PubMed 30236257 (cited by Labcorp Genetics (formerly Invitae), Labcorp); PubMed 32054689 (cited by Labcorp Genetics (formerly Invitae), Labcorp).